The following is an entry in ClinVar:

ClinVar aggregate classification (germline): Likely benign. Review status: criteria provided, multiple submitters, no conflicts (2 of 4 stars). 4 submissions from 4 submitters: Likely benign (4). Last evaluated 2026-02-02.

Conditions:
Neu-Laxova syndrome 2. Identifiers: Orphanet 2671, Orphanet 583602, MedGen C4015019, MONDO:0014466, OMIM 616038.

Allele frequency attached by ClinVar (database versions not stated): gnomAD 0.00016 and 0.00021; TOPMed 0.00018; ESP Exome Variant Server 0.00023.
gnomAD v4.1: 274 of 1,612,330 alleles (0.017%); highest among the groups gnomAD compares: Middle Eastern, 0.37%; no homozygotes.

Submissions (4):

Labcorp Genetics (formerly Invitae), Labcorp
Classification: Likely benign for Neu-Laxova syndrome 2. Last evaluated: 2026-02-02. Review status: criteria provided, single submitter. Criteria: Invitae Variant Classification Sherloc (09022015). Collection method: clinical testing. Allele origin: germline.

CeGaT Center for Human Genetics Tuebingen
Classification: Likely benign. Last evaluated: 2025-12-01. Review status: criteria provided, single submitter. Criteria: CeGaT Center For Human Genetics Tuebingen Variant Classification Criteria Version 2. Collection method: clinical testing. Allele origin: germline. Affected: yes. Observed: 4 variant alleles.
Comment: PSAT1: BP4, BP7

Blueprint Genetics
Classification: Likely benign. Last evaluated: 2024-10-11. Review status: criteria provided, single submitter. Criteria: ACMG Guidelines, 2015. Collection method: clinical testing. Allele origin: germline.

Breakthrough Genomics
Classification: Likely benign. Review status: criteria provided, single submitter. Criteria: ACMG Guidelines, 2015. Collection method: not provided. Allele origin: germline. Inheritance: Autosomal recessive inheritance. Affected: yes.

NM_058179.4(PSAT1):c.393T>C (p.Tyr131=)

Gene: PSAT1 (phosphoserine aminotransferase 1; plus strand). Cytogenetic location: 9q21.2.
Variant type: single nucleotide variant.
Coding change: c.393T>C on transcript NM_058179.4 (MANE Select); coding-DNA position 393, T replaced by C.
Protein change: p.Tyr131=; no amino-acid change (tyrosine 131 retained).
Molecular consequence: synonymous variant.
Genome position (GRCh38, 1-based): chr9:78,304,936, T>C. VCF-style: chr9-78304936-T-C. GRCh37 (hg19) VCF-style: chr9-80919852-T-C.
Other names: c.393T>C, p.Tyr131= (NM_021154.5).
Identifiers: ClinVar variation 779257 (VCV000779257.41), dbSNP rs370268538, ClinGen allele CA5095596.
Genomic context (GRCh38, chr9:78,304,936, plus strand): 5'-CGCAGAAGAAGCCAAGAAGTTTGGGACTATAAATATCGTTCACCCTAAACTTGGGAGTTA[T>C]ACAAGTAAGTTCTGGGAGCTGAGCTGGGTGGTGACGTGCTCAATGGTGGGTTACCCCGAC-3'
Protein context (NP_478059.1, residues 121-141): INIVHPKLGS[Tyr131=]TKIPDPSTWN